The following is an entry in ClinVar:

ClinVar aggregate classification (germline): Uncertain significance (1 of 4 stars; one submission).

Submission:

GeneDx
Classification: Uncertain significance. Last evaluated: 2019-04-14. Review status: criteria provided, single submitter. Criteria: GeneDx Variant Classification Process June 2021. Collection method: clinical testing. Allele origin: germline. Affected: yes.
Comment: Not observed in large population cohorts (Lek et al., 2016); In silico analysis, which includes protein predictors and evolutionary conservation, supports a deleterious effect; Has not been previously published as pathogenic or benign to our knowledge; Variants in candidate genes are classified as variants of uncertain significance in accordance with ACMG guidelines (Richards et al., 2015)

NM_005618.4(DLL1):c.598G>C (p.Gly200Arg)

Gene: DLL1 (delta like canonical Notch ligand 1; minus strand). Cytogenetic location: 6q27.
Variant type: single nucleotide variant.
Coding change: c.598G>C on transcript NM_005618.4 (MANE Select); coding-DNA position 598, G replaced by C.
Protein change: p.Gly200Arg; replaces glycine 200 with arginine.
Molecular consequence: missense variant.
Genome position (GRCh38, 1-based): chr6:170,288,311, C>G on the plus strand (G>C on the coding strand, the complement: DLL1 is on the minus strand). VCF-style: chr6-170288311-C-G. GRCh37 (hg19) VCF-style: chr6-170597399-C-G.
Other names: short protein forms G200R.
Identifiers: ClinVar variation 1305008 (VCV001305008.2), dbSNP rs2114964033, ClinGen allele CA366509212.